The following is an entry in ClinVar:

ClinVar aggregate classification (germline): Likely benign. Review status: criteria provided, multiple submitters, no conflicts (2 of 4 stars). 2 submissions from 2 submitters: Likely benign (2). Last evaluated 2023-12-13.

Conditions:
Cardiomyopathy (CMYO). Also called: Cardiomyopathies. Identifiers: Orphanet 167848, MedGen C0878544, MONDO:0004994, HP:0001638. Inheritance: Various modes of inheritance.

Submissions (2):

All of Us Research Program, National Institutes of Health
Classification: Likely benign for Cardiomyopathy. Last evaluated: 2023-12-13. Review status: criteria provided, single submitter. Criteria: ACMG Guidelines, 2015. Collection method: clinical testing. Allele origin: germline. Inheritance: Autosomal dominant inheritance. Observed: 1 variant allele, 1 heterozygote.
Comment: This study involves interpretation of variants in research participants for the purpose of population health screening. Participant phenotype was not available at the time of variant classification. Additional details can be found in publication PMID: 35346344, PMCID: PMC8962531

Color Diagnostics, LLC DBA Color Health
Classification: Likely benign for Cardiomyopathy. Last evaluated: 2023-03-28. Review status: criteria provided, single submitter. Criteria: ACMG Guidelines, 2015. Collection method: clinical testing. Allele origin: germline.

NM_000257.4(MYH7):c.640-7T>C

Gene: MYH7 (myosin heavy chain 7; minus strand). Cytogenetic location: 14q11.2.
Variant type: single nucleotide variant.
Coding change: c.640-7T>C on transcript NM_000257.4 (MANE Select); 7 bases into the intron before coding-DNA position 640, T replaced by C.
Molecular consequence: intron variant.
Genome position (GRCh38, 1-based): chr14:23,431,684, A>G on the plus strand (T>C on the coding strand, the complement: MYH7 is on the minus strand). VCF-style: chr14-23431684-A-G. GRCh37 (hg19) VCF-style: chr14-23900893-A-G.
Other names: c.640-7T>C (NM_001407004.1).
Identifiers: ClinVar variation 2773969 (VCV002773969.3), dbSNP rs2502313142, ClinGen allele CA2697553863.